The following is an entry in ClinVar:

NM_000631.5(NCF4):c.270_271+16del

Genes: NCF4 (neutrophil cytosolic factor 4; plus strand), NCF4-AS1 (NCF4 antisense RNA 1; minus strand). Cytogenetic location: 22q12.3.
Variant type: Deletion.
Coding change: c.270_271+16del on transcript NM_000631.5 (MANE Select); coding-DNA position 270 through 16 bases into the intron after coding-DNA position 271, 18 bases deleted (AGGTAGGCGGCCACTCCC).
Molecular consequence: splice donor variant.
Genome position (GRCh38, 1-based): chr22:36,865,071-36,865,088, AGGTAGGCGGCCACTCCC deleted; deleting any 18 consecutive bases within chr22:36,865,064-36,865,088 gives the same sequence; the c. name uses the placement nearest the transcript's 3' end. VCF-style (leftmost placement, unchanged base first): chr22-36865063-ACACTCCCAGGTAGGCGGC-A. GRCh37 (hg19) VCF-style: chr22-37261105-ACACTCCCAGGTAGGCGGC-A.
Other names: c.270_271+16del (NM_013416.4).
Identifiers: ClinVar variation 842976 (VCV000842976.8), dbSNP rs1939893821, ClinGen allele CA916081244.

ClinVar aggregate classification (germline): Likely pathogenic (1 of 4 stars; one submission).

Conditions:
Granulomatous disease, chronic, autosomal recessive, cytochrome b-positive, type 3. Also called: Granulomatous disease, chronic, autosomal recessive, cytochrome b-positive, type III; GRANULOMATOUS DISEASE, CHRONIC, AUTOSOMAL RECESSIVE, 3; CGD, AUTOSOMAL RECESSIVE CYTOCHROME b-POSITIVE, TYPE III; GRANULOMATOUS DISEASE, CHRONIC, DUE TO NCF4 DEFICIENCY. Identifiers: Orphanet 379, MedGen C3151409, MONDO:0013507, OMIM 613960.

Submission:

Labcorp Genetics (formerly Invitae), Labcorp
Classification: Likely pathogenic for Granulomatous disease, chronic, autosomal recessive, cytochrome b-positive, type 3. Last evaluated: 2020-01-31. Review status: criteria provided, single submitter. Criteria: Invitae Variant Classification Sherloc (09022015). Collection method: clinical testing. Allele origin: germline.
Comment: In summary, the currently available evidence indicates that the variant is pathogenic, but additional data are needed to prove that conclusively. Therefore, this variant has been classified as Likely Pathogenic. Loss-of-function variants in NCF4 are known to be pathogenic (PMID: 16880254, 19692703, 20167518). Algorithms developed to predict the effect of sequence changes on RNA splicing suggest that this variant may disrupt the consensus splice site, but this prediction has not been confirmed by published transcriptional studies. This variant has not been reported in the literature in individuals with NCF4-related conditions. This variant is not present in population databases (ExAC no frequency). This variant results in the deletion of part of exon 3 (c.270_271+16del) of the NCF4 gene. It is expected to disrupt RNA splicing and likely results in an absent or disrupted protein product.

Literature cited by the submitters: PubMed 16880254; PubMed 19692703; PubMed 20167518.